The following is an entry in ClinVar:

ClinVar aggregate classification (germline): Uncertain significance (1 of 4 stars; one submission).

Conditions:
Niemann-Pick disease, type A. Also called: SPHINGOMYELIN LIPIDOSIS; SPHINGOMYELINASE DEFICIENCY; Infantile Neurovisceral ASMD (Niemann-Pick Disease Type A; NPD-A). Identifiers: Orphanet 77292, MedGen C0268242, MONDO:0009756, OMIM 257200. Disease mechanism: loss of function.
Niemann-Pick disease, type B. Also called: Chronic Visceral ASMD (Niemann-Pick Disease Type B; NPD-B). Identifiers: Orphanet 77293, MedGen C0268243, MONDO:0011871, OMIM 607616. Disease mechanism: loss of function.

Allele frequency attached by ClinVar (database versions not stated): TOPMed 0.00002.

Submission:

Labcorp Genetics (formerly Invitae), Labcorp
Classification: Uncertain significance for Niemann-Pick disease, type B; Niemann-Pick disease, type A. Last evaluated: 2021-08-20. Review status: criteria provided, single submitter. Criteria: Invitae Variant Classification Sherloc (09022015). Collection method: clinical testing. Allele origin: germline.
Comment: This sequence change replaces serine with phenylalanine at codon 179 of the SMPD1 protein (p.Ser179Phe). The serine residue is moderately conserved and there is a large physicochemical difference between serine and phenylalanine. This variant is not present in population databases (ExAC no frequency). This variant has not been reported in the literature in individuals affected with SMPD1-related conditions. Algorithms developed to predict the effect of missense changes on protein structure and function are either unavailable or do not agree on the potential impact of this missense change (SIFT: "Deleterious"; PolyPhen-2: "Possibly Damaging"; Align-GVGD: "Class C0"). In summary, the available evidence is currently insufficient to determine the role of this variant in disease. Therefore, it has been classified as a Variant of Uncertain Significance.

NM_000543.5(SMPD1):c.536C>T (p.Ser179Phe)

Gene: SMPD1 (sphingomyelin phosphodiesterase 1; plus strand). Cytogenetic location: 11p15.4.
Variant type: single nucleotide variant.
Coding change: c.536C>T on transcript NM_000543.5 (MANE Select); coding-DNA position 536, C replaced by T.
Protein change: p.Ser179Phe; replaces serine 179 with phenylalanine.
Molecular consequence: missense variant. On other transcripts: 5 prime UTR variant (1), non-coding transcript variant (1).
Genome position (GRCh38, 1-based): chr11:6,391,601, C>T. VCF-style: chr11-6391601-C-T. GRCh37 (hg19) VCF-style: chr11-6412831-C-T.
Other names: c.533C>T, p.Ser178Phe (NM_001007593.3); c.536C>T, p.Ser179Phe (NM_001318087.2, NM_001365135.2); c.-426C>T (NM_001318088.2); short protein forms S178F, S179F.
Identifiers: ClinVar variation 642425 (VCV000642425.8), dbSNP rs1215635747, ClinGen allele CA379369858.